The following is an entry in ClinVar:

ClinVar aggregate classification (germline): Conflicting classifications of pathogenicity. Review status: criteria provided, conflicting classifications (1 of 4 stars). 2 submissions from 2 submitters: Uncertain significance (1); Likely benign (1). Last evaluated 2023-08-07.

Submissions (2):

Labcorp Genetics (formerly Invitae), Labcorp
Classification: Uncertain significance. Last evaluated: 2023-08-07. Review status: criteria provided, single submitter. Criteria: Invitae Variant Classification Sherloc (09022015). Collection method: clinical testing. Allele origin: germline.
Comment: This variant is not present in population databases (gnomAD no frequency). This sequence change falls in intron 3 of the SLC25A4 gene. It does not directly change the encoded amino acid sequence of the SLC25A4 protein. It affects a nucleotide within the consensus splice site. This variant has not been reported in the literature in individuals affected with SLC25A4-related conditions. In summary, the available evidence is currently insufficient to determine the role of this variant in disease. Therefore, it has been classified as a Variant of Uncertain Significance. Variants that disrupt the consensus splice site are a relatively common cause of aberrant splicing (PMID: 17576681, 9536098). Algorithms developed to predict the effect of sequence changes on RNA splicing suggest that this variant is not likely to affect RNA splicing.

Blueprint Genetics
Classification: Likely benign. Last evaluated: 2021-11-10. Review status: criteria provided, single submitter. Criteria: ACMG Guidelines, 2015. Collection method: clinical testing. Allele origin: germline.

Literature cited by the submitters: PubMed 17576681 (cited by Labcorp Genetics (formerly Invitae), Labcorp); PubMed 9536098 (cited by Labcorp Genetics (formerly Invitae), Labcorp).

NM_001151.4(SLC25A4):c.740-3C>T

Gene: SLC25A4 (solute carrier family 25 member 4; plus strand). Cytogenetic location: 4q35.1.
Variant type: single nucleotide variant.
Coding change: c.740-3C>T on transcript NM_001151.4 (MANE Select); 3 bases into the intron before coding-DNA position 740, C replaced by T.
Molecular consequence: intron variant.
Genome position (GRCh38, 1-based): chr4:185,146,811, C>T. VCF-style: chr4-185146811-C-T. GRCh37 (hg19) VCF-style: chr4-186067965-C-T.
Identifiers: ClinVar variation 2743722 (VCV002743722.4), dbSNP rs111543795, ClinGen allele CA2697546995.